The following is an entry in ClinVar:

ClinVar aggregate classification (germline): Likely benign (1 of 4 stars; one submission).

gnomAD v4.1: 21 of 1,608,124 alleles (0.0013%); highest among the groups gnomAD compares: South Asian, 0.023%; 1 homozygote.

Submission:

CeGaT Center for Human Genetics Tuebingen
Classification: Likely benign. Last evaluated: 2025-01-01. Review status: criteria provided, single submitter. Criteria: CeGaT Center For Human Genetics Tuebingen Variant Classification Criteria Version 2. Collection method: clinical testing. Allele origin: germline. Affected: yes. Observed: 1 variant allele.
Comment: OBSL1: BP4, BS2

NM_015311.3(OBSL1):c.3475G>T (p.Ala1159Ser)

Gene: OBSL1 (obscurin like cytoskeletal adaptor 1; minus strand). Cytogenetic location: 2q35.
Variant type: single nucleotide variant.
Coding change: c.3475G>T on transcript NM_015311.3 (MANE Select); coding-DNA position 3475, G replaced by T.
Protein change: p.Ala1159Ser; replaces alanine 1159 with serine.
Molecular consequence: missense variant.
Genome position (GRCh38, 1-based): chr2:219,558,211, C>A on the plus strand (G>T on the coding strand, the complement: OBSL1 is on the minus strand). VCF-style: chr2-219558211-C-A. GRCh37 (hg19) VCF-style: chr2-220422933-C-A.
Other names: c.3475G>T, p.Ala1159Ser (NM_001173431.2); short protein forms A1159S.
Identifiers: ClinVar variation 3771281 (VCV003771281.13).